The following is an entry in ClinVar:

ClinVar aggregate classification (germline): Uncertain significance. Review status: criteria provided, multiple submitters, no conflicts (2 of 4 stars). 2 submissions from 2 submitters: Uncertain significance (2). Last evaluated 2025-08-08.

Conditions:
Inborn genetic diseases. Identifiers: MedGen C0950123, MeSH D030342.
Autosomal recessive distal spinal muscular atrophy 1. Also called: NEURONOPATHY, SEVERE INFANTILE AXONAL, WITH RESPIRATORY FAILURE; SEVERE INFANTILE AXONAL NEUROPATHY WITH RESPIRATORY FAILURE; SPINAL MUSCULAR ATROPHY, DIAPHRAGMATIC; NEURONOPATHY, DISTAL HEREDITARY MOTOR, HARDING TYPE VI; NEUROPATHY, DISTAL HEREDITARY MOTOR, AUTOSOMAL RECESSIVE 1; Spinal muscular atrophy with respiratory distress 1. Identifiers: Orphanet 98920, MedGen C1858517, MONDO:0011436, OMIM 604320.
Charcot-Marie-Tooth disease axonal type 2S. Also called: CHARCOT-MARIE-TOOTH DISEASE, AXONAL, AUTOSOMAL RECESSIVE, TYPE 2S; CHARCOT-MARIE-TOOTH NEUROPATHY, TYPE 2S. Identifiers: Orphanet 443073, MedGen C4015349, MONDO:0014511, OMIM 616155.

Allele frequency attached by ClinVar (database versions not stated): gnomAD 0.00001; gnomAD exomes 0.00001; TOPMed 0.00002.
gnomAD v4.1: 18 of 1,611,186 alleles (0.0011%); highest among the groups gnomAD compares: Non-Finnish European, 0.0014%; no homozygotes.

Submissions (2):

Ambry Genetics
Classification: Uncertain significance for Inborn genetic diseases. Last evaluated: 2025-08-08. Review status: criteria provided, single submitter. Criteria: Ambry Variant Classification Scheme 2023. Collection method: clinical testing. Allele origin: germline.

Labcorp Genetics (formerly Invitae), Labcorp
Classification: Uncertain significance for Autosomal recessive distal spinal muscular atrophy 1; Charcot-Marie-Tooth disease axonal type 2S. Last evaluated: 2021-09-02. Review status: criteria provided, single submitter. Criteria: Invitae Variant Classification Sherloc (09022015). Collection method: clinical testing. Allele origin: germline.
Comment: This sequence change replaces serine with arginine at codon 177 of the IGHMBP2 protein (p.Ser177Arg). The serine residue is moderately conserved and there is a moderate physicochemical difference between serine and arginine. This variant is not present in population databases (ExAC no frequency). This variant has not been reported in the literature in individuals affected with IGHMBP2-related conditions. Advanced modeling of protein sequence and biophysical properties (such as structural, functional, and spatial information, amino acid conservation, physicochemical variation, residue mobility, and thermodynamic stability) performed at Invitae indicates that this missense variant is not expected to disrupt IGHMBP2 protein function. In summary, the available evidence is currently insufficient to determine the role of this variant in disease. Therefore, it has been classified as a Variant of Uncertain Significance.

NM_002180.3(IGHMBP2):c.531T>G (p.Ser177Arg)

Gene: IGHMBP2 (immunoglobulin mu DNA binding protein 2; plus strand). Cytogenetic location: 11q13.3.
Variant type: single nucleotide variant.
Coding change: c.531T>G on transcript NM_002180.3 (MANE Select); coding-DNA position 531, T replaced by G.
Protein change: p.Ser177Arg; replaces serine 177 with arginine.
Molecular consequence: missense variant.
Genome position (GRCh38, 1-based): chr11:68,908,615, T>G. VCF-style: chr11-68908615-T-G. GRCh37 (hg19) VCF-style: chr11-68676083-T-G.
Other names: c.531T>G (NM_002180.2); short protein forms S177R.
Identifiers: ClinVar variation 1509465 (VCV001509465.6), dbSNP rs779086573, ClinGen allele CA381643585.